The following is an entry in ClinVar:

NM_003038.5(SLC1A4):c.1229+1G>C

Gene: SLC1A4 (solute carrier family 1 member 4; plus strand). Cytogenetic location: 2p14.
Variant type: single nucleotide variant.
Coding change: c.1229+1G>C on transcript NM_003038.5 (MANE Select); the canonical splice donor site of the intron after coding-DNA position 1229, G replaced by C.
Molecular consequence: splice donor variant.
Genome position (GRCh38, 1-based): chr2:65,018,266, G>C. VCF-style: chr2-65018266-G-C. GRCh37 (hg19) VCF-style: chr2-65245400-G-C.
Other names: c.569+1G>C (NM_001348406.2, NM_001348407.2); c.335+1G>C (NM_001193493.2).
Identifiers: ClinVar variation 2879073 (VCV002879073.3), dbSNP rs751546336, ClinGen allele CA1686104.

ClinVar aggregate classification (germline): Likely pathogenic (1 of 4 stars; one submission).

Allele frequency attached by ClinVar (database versions not stated): ExAC 0.00001.

Submission:

Labcorp Genetics (formerly Invitae), Labcorp
Classification: Likely pathogenic. Last evaluated: 2023-10-24. Review status: criteria provided, single submitter. Criteria: Invitae Variant Classification Sherloc (09022015). Collection method: clinical testing. Allele origin: germline.
Comment: This sequence change affects a donor splice site in intron 6 of the SLC1A4 gene. It is expected to disrupt RNA splicing. Variants that disrupt the donor or acceptor splice site typically lead to a loss of protein function (PMID: 16199547), and loss-of-function variants in SLC1A4 are known to be pathogenic (PMID: 26041762, 27848944, 30125339). This variant is not present in population databases (gnomAD no frequency). This variant has not been reported in the literature in individuals affected with SLC1A4-related conditions. Algorithms developed to predict the effect of sequence changes on RNA splicing suggest that this variant may disrupt the consensus splice site. In summary, the currently available evidence indicates that the variant is pathogenic, but additional data are needed to prove that conclusively. Therefore, this variant has been classified as Likely Pathogenic.

Literature cited by the submitters: PubMed 16199547; PubMed 26041762; PubMed 27848944; PubMed 30125339.